The following is an entry in ClinVar:

ClinVar aggregate classification (germline): Uncertain significance (1 of 4 stars; one submission).

Submission:

Ambry Genetics
Classification: Uncertain significance. Last evaluated: 2024-10-21. Review status: criteria provided, single submitter. Criteria: Ambry Variant Classification Scheme 2023. Collection method: clinical testing. Allele origin: germline.
Comment: The p.A773G variant (also known as c.2318C>G), located in coding exon 19 of the BUB1 gene, results from a C to G substitution at nucleotide position 2318. The alanine at codon 773 is replaced by glycine, an amino acid with similar properties. This amino acid position is conserved. In addition, this alteration is predicted to be tolerated by in silico analysis. Based on the available evidence, the clinical significance of this variant remains unclear.

NM_004336.5(BUB1):c.2318C>G (p.Ala773Gly)

Gene: BUB1 (BUB1 mitotic checkpoint serine/threonine kinase; minus strand). Cytogenetic location: 2q13.
Variant type: single nucleotide variant.
Coding change: c.2318C>G on transcript NM_004336.5 (MANE Select); coding-DNA position 2318, C replaced by G.
Protein change: p.Ala773Gly; replaces alanine 773 with glycine.
Molecular consequence: missense variant.
Genome position (GRCh38, 1-based): chr2:110,649,263, G>C on the plus strand (C>G on the coding strand, the complement: BUB1 is on the minus strand). VCF-style: chr2-110649263-G-C. GRCh37 (hg19) VCF-style: chr2-111406840-G-C.
Other names: c.2258C>G, p.Ala753Gly (NM_001278616.2); c.2318C>G, p.Ala773Gly (NM_001278617.2); short protein forms A753G, A773G.
Identifiers: ClinVar variation 3483083 (VCV003483083.1).
Genomic context (GRCh38, chr2:110,649,263, plus strand): 5'-TTTAAAGTTATATTATCCAAATAATTCTTACCCAATTGAAATTCAGTCTTGGGCTTGATG[G>C]CTGGAAGTTTACATTGCCATTCAAAAGTATTTGGATAGGAACTCACTGGTTTAGAAAGCC-3'
Protein context (NP_004327.1, residues 763-783): NTFEWQCKLP[Ala773Gly]IKPKTEFQLG